The following is an entry in ClinVar:

ClinVar aggregate classification (germline): Uncertain significance (1 of 4 stars; one submission).

Conditions:
Cardiovascular phenotype. Identifiers: MedGen CN230736.

Submission:

Ambry Genetics
Classification: Uncertain significance for Cardiovascular phenotype. Last evaluated: 2020-08-19. Review status: criteria provided, single submitter. Criteria: Ambry Variant Classification Scheme 2023. Collection method: clinical testing. Allele origin: germline.
Comment: The p.E3432* variant (also known as c.10294G>T), located in coding exon 41 of the AKAP9 gene, results from a G to T substitution at nucleotide position 10294. This changes the amino acid from a glutamic acid to a stop codon within coding exon 41. This alteration is expected to result in premature protein truncation or nonsense-mediated mRNA decay. However, loss of function of AKAP9 has not been clearly established as a mechanism of disease. Since supporting evidence is limited at this time, the clinical significance of this alteration remains unclear.

NM_005751.5(AKAP9):c.10294G>T (p.Glu3432Ter)

Gene: AKAP9 (A-kinase anchoring protein 9; plus strand). Cytogenetic location: 7q21.2.
Variant type: single nucleotide variant.
Coding change: c.10294G>T on transcript NM_005751.5 (MANE Select); coding-DNA position 10294, G replaced by T.
Protein change: p.Glu3432Ter; replaces glutamic acid 3432 with a stop codon.
Molecular consequence: nonsense.
Genome position (GRCh38, 1-based): chr7:92,097,253, G>T. VCF-style: chr7-92097253-G-T. GRCh37 (hg19) VCF-style: chr7-91726567-G-T.
Other names: c.4939G>T, p.Glu1647Ter (NM_001379277.1); c.10270G>T, p.Glu3424Ter (NM_147185.3); short protein forms E3424*, E3432*, E1647*.
Identifiers: ClinVar variation 1770283 (VCV001770283.2), dbSNP rs1183330019, ClinGen allele CA368154804.